The following is an entry in ClinVar:

ClinVar aggregate classification (germline): Uncertain significance (1 of 4 stars; one submission).

Conditions:
Neurofibromatosis, type 1 (NF1). Also called: Peripheral type neurofibromatosis; NEUROFIBROMATOSIS, TYPE I, SOMATIC; Neurofibromatosis, type I; VON RECKLINGHAUSEN DISEASE. Identifiers: Orphanet 636, MedGen C0027831, MONDO:0018975, OMIM 162200. Disease mechanism: loss of function.

Submission:

Labcorp Genetics (formerly Invitae), Labcorp
Classification: Uncertain significance for Neurofibromatosis, type 1. Last evaluated: 2022-04-21. Review status: criteria provided, single submitter. Criteria: Invitae Variant Classification Sherloc (09022015). Collection method: clinical testing. Allele origin: germline.
Comment: In summary, the available evidence is currently insufficient to determine the role of this variant in disease. Therefore, it has been classified as a Variant of Uncertain Significance. Advanced modeling of protein sequence and biophysical properties (such as structural, functional, and spatial information, amino acid conservation, physicochemical variation, residue mobility, and thermodynamic stability) performed at Invitae indicates that this missense variant is expected to disrupt NF1 protein function. This variant has not been reported in the literature in individuals affected with NF1-related conditions. This variant is not present in population databases (gnomAD no frequency). This sequence change replaces glutamic acid, which is acidic and polar, with alanine, which is neutral and non-polar, at codon 740 of the NF1 protein (p.Glu740Ala).

NM_001042492.3(NF1):c.2219A>C (p.Glu740Ala)

Gene: NF1 (neurofibromin 1; plus strand). Cytogenetic location: 17q11.2.
Variant type: single nucleotide variant.
Coding change: c.2219A>C on transcript NM_001042492.3 (MANE Select); coding-DNA position 2219, A replaced by C.
Protein change: p.Glu740Ala; replaces glutamic acid 740 with alanine.
Molecular consequence: missense variant.
Genome position (GRCh38, 1-based): chr17:31,226,652, A>C. VCF-style: chr17-31226652-A-C. GRCh37 (hg19) VCF-style: chr17-29553670-A-C.
Other names: c.2219A>C, p.Glu740Ala (NM_000267.4); short protein forms E740A.
Identifiers: ClinVar variation 2128734 (VCV002128734.4), dbSNP rs2151426093, ClinGen allele CA398982525.
Genomic context (GRCh38, chr17:31,226,652, plus strand): 5'-GGTGTGGGGTGGATGAAGTGTCAGTGCATAACCTCTTGCCCAACTATAACACATTCATGG[A>C]GTTTGCCTCTGTCAGCAATATGATGTCAACAGGTAAATGTGAATAGTGGTTTTTTTTACT-3'
Protein context (NP_001035957.1, residues 730-750): NLLPNYNTFM[Glu740Ala]FASVSNMMST